The following is an entry in ClinVar:

ClinVar aggregate classification (germline): Uncertain significance. Review status: criteria provided, multiple submitters, no conflicts (2 of 4 stars). 4 submissions from 4 submitters: Uncertain significance (4). Last evaluated 2025-01-29.

Conditions:
Mismatch repair cancer syndrome 4. Identifiers: MedGen C5436817, MONDO:0030843, OMIM 619101.
Lynch syndrome 4 (LYNCH4). Also called: Colorectal cancer, hereditary nonpolyposis, type 4; Hereditary non-polyposis colorectal cancer, type 4. Identifiers: Orphanet 144, MedGen C1838333, MONDO:0013699, OMIM 614337. Disease mechanism: loss of function.
Hereditary nonpolyposis colorectal neoplasms. Identifiers: MedGen C0009405, MeSH D003123.
Hereditary cancer-predisposing syndrome. Also called: Neoplastic Syndromes, Hereditary; Hereditary Cancer Syndrome; Tumor predisposition; Hereditary neoplastic syndrome. Identifiers: Orphanet 140162, MedGen C0027672, MeSH D009386, MONDO:0015356.

Submissions (4):

Labcorp Genetics (formerly Invitae), Labcorp
Classification: Uncertain significance for Hereditary nonpolyposis colorectal neoplasms. Last evaluated: 2025-01-29. Review status: criteria provided, single submitter. Criteria: Invitae Variant Classification Sherloc (09022015). Collection method: clinical testing. Allele origin: germline.
Comment: This sequence change falls in intron 14 of the PMS2 gene. It does not directly change the encoded amino acid sequence of the PMS2 protein. It affects a nucleotide within the consensus splice site. The frequency data for this variant in the population databases (gnomAD) is considered unreliable due to the presence of homologous sequence, such as pseudogenes or paralogs, in the genome. This variant has not been reported in the literature in individuals affected with PMS2-related conditions. ClinVar contains an entry for this variant (Variation ID: 645599). Variants that disrupt the consensus splice site are a relatively common cause of aberrant splicing (PMID: 17576681, 9536098). RNA analysis provides insufficient evidence to determine the effect of this variant on PMS2 splicing (internal data). In summary, the available evidence is currently insufficient to determine the role of this variant in disease. Therefore, it has been classified as a Variant of Uncertain Significance.

Blueprint Genetics
Classification: Uncertain significance. Last evaluated: 2024-09-30. Review status: criteria provided, single submitter. Criteria: ACMG Guidelines, 2015. Collection method: clinical testing. Allele origin: germline.

Ambry Genetics
Classification: Uncertain significance for Hereditary cancer-predisposing syndrome. Last evaluated: 2024-07-23. Review status: criteria provided, single submitter. Criteria: Ambry Variant Classification Scheme 2023. Collection method: clinical testing. Allele origin: germline.
Comment: The c.2445+5G>C intronic variant results from a G to C substitution 5 nucleotides after coding exon 14 in the PMS2 gene. This nucleotide position is highly conserved in available vertebrate species. In silico splice site analysis predicts that this alteration may weaken the native splice donor site. Since supporting evidence is limited at this time, the clinical significance of this alteration remains unclear.

Department of Pathology and Laboratory Medicine, Sinai Health System
Classification: Uncertain significance for Lynch syndrome 4; Mismatch repair cancer syndrome 4. Last evaluated: 2020-04-03. Review status: criteria provided, single submitter. Criteria: ACMG Guidelines, 2015. Collection method: clinical testing. Allele origin: germline. Affected: yes.

Literature cited by the submitters: PubMed 17576681 (cited by Labcorp Genetics (formerly Invitae), Labcorp); PubMed 9536098 (cited by Labcorp Genetics (formerly Invitae), Labcorp).

NM_000535.7(PMS2):c.2445+5G>C

Gene: PMS2 (PMS1 homolog 2, mismatch repair system component; minus strand). Cytogenetic location: 7p22.1.
Variant type: single nucleotide variant.
Coding change: c.2445+5G>C on transcript NM_000535.7 (MANE Select); 5 bases into the intron after coding-DNA position 2445, G replaced by C.
Molecular consequence: intron variant.
Genome position (GRCh38, 1-based): chr7:5,977,583, C>G on the plus strand (G>C on the coding strand, the complement: PMS2 is on the minus strand). VCF-style: chr7-5977583-C-G. GRCh37 (hg19) VCF-style: chr7-6017214-C-G.
Other names: c.2127+5G>C (NM_001322008.2, NM_001322007.2); c.1884+5G>C (NM_001322010.2); c.2040+5G>C (NM_001322004.2, NM_001322003.2, NM_001322005.2); c.1872+5G>C (NM_001322013.2); c.1512+5G>C (NM_001322012.2, NM_001322011.2); c.2136+5G>C (NM_001322015.2); c.2289+5G>C (NM_001322006.2); c.2478+5G>C (NM_001322014.2); and 1 more.
Identifiers: ClinVar variation 645599 (VCV000645599.12), dbSNP rs1583279335, ClinGen allele CA915944849.
Genomic context (GRCh38, chr7:5,977,583, plus strand): 5'-GGCTGAGACCTTCCTCGACTGCAAGCTTGAGCAGCTGAGCTGACAGCCAGGCTTTCTTTA[C>G]TTACCGACTTCCGGCAGGCTCTGGAGGCAAACATCTGCTTGACTCGGGAAGGCCGGCACA-3'